The following is an entry in ClinVar:

NM_000321.3(RB1):c.1171T>A (p.Ser391Thr)

Gene: RB1 (RB transcriptional corepressor 1; plus strand). Cytogenetic location: 13q14.2.
Variant type: single nucleotide variant.
Coding change: c.1171T>A on transcript NM_000321.3 (MANE Select); coding-DNA position 1171, T replaced by A.
Protein change: p.Ser391Thr; replaces serine 391 with threonine.
Molecular consequence: missense variant.
Genome position (GRCh38, 1-based): chr13:48,373,448, T>A. VCF-style: chr13-48373448-T-A. GRCh37 (hg19) VCF-style: chr13-48947584-T-A.
Other names: c.1171T>A, p.Ser391Thr (NM_001407165.1, NM_001407166.1); short protein forms S391T.
Identifiers: ClinVar variation 2767277 (VCV002767277.3), dbSNP rs2542194976, ClinGen allele CA388161530.

ClinVar aggregate classification (germline): Uncertain significance (1 of 4 stars; one submission).

Conditions:
Retinoblastoma (RB1). Also called: RETINOBLASTOMA, SOMATIC. Identifiers: Orphanet 790, MedGen C0035335, MeSH D012175, MONDO:0008380, OMIM 180200, HP:0009919. Disease mechanism: loss of function. Inheritance: Both sporadic and heritable forms are tested..

Submission:

Labcorp Genetics (formerly Invitae), Labcorp
Classification: Uncertain significance for Retinoblastoma. Last evaluated: 2023-11-01. Review status: criteria provided, single submitter. Criteria: Invitae Variant Classification Sherloc (09022015). Collection method: clinical testing. Allele origin: germline.
Comment: This sequence change replaces serine, which is neutral and polar, with threonine, which is neutral and polar, at codon 391 of the RB1 protein (p.Ser391Thr). This variant is not present in population databases (gnomAD no frequency). This variant has not been reported in the literature in individuals affected with RB1-related conditions. Advanced modeling of protein sequence and biophysical properties (such as structural, functional, and spatial information, amino acid conservation, physicochemical variation, residue mobility, and thermodynamic stability) performed at Invitae indicates that this missense variant is not expected to disrupt RB1 protein function with a negative predictive value of 80%. In summary, the available evidence is currently insufficient to determine the role of this variant in disease. Therefore, it has been classified as a Variant of Uncertain Significance.